The following is an entry in ClinVar:

NM_018896.5(CACNA1G):c.5021+6G>A

Gene: CACNA1G (calcium voltage-gated channel subunit alpha1 G; plus strand). Cytogenetic location: 17q21.33.
Variant type: single nucleotide variant.
Coding change: c.5021+6G>A on transcript NM_018896.5 (MANE Select); 6 bases into the intron after coding-DNA position 5021, G replaced by A.
Molecular consequence: intron variant.
Genome position (GRCh38, 1-based): chr17:50,616,390, G>A. VCF-style: chr17-50616390-G-A. GRCh37 (hg19) VCF-style: chr17-48693751-G-A.
Other names: c.5042+6G>A (NM_001256325.2); c.4988+6G>A (NM_198377.3, NM_198380.3, NM_198378.3 and 1 more transcripts); c.5021+6G>A (NM_198385.3, NM_198384.3, NM_001256333.2 and 1 more transcripts); c.4967+6G>A (NM_001256324.2, NM_198386.3, NM_001256328.2); c.4913+6G>A (NM_001256360.2); c.4907+6G>A (NM_001256361.2); c.4940+6G>A (NM_001256359.2); c.4886+6G>A (NM_001256326.2, NM_001256330.2); and 5 more.
Identifiers: ClinVar variation 2963272 (VCV002963272.3), dbSNP rs777042089, ClinGen allele CA8653259.

ClinVar aggregate classification (germline): Uncertain significance (1 of 4 stars; one submission).

Allele frequency attached by ClinVar (database versions not stated): gnomAD exomes 0.00002; TOPMed 0.00002; ExAC 0.00006.
gnomAD v4.1: 27 of 1,553,724 alleles (0.0017%); highest among the groups gnomAD compares: East Asian, 0.016%; no homozygotes.

Submission:

Labcorp Genetics (formerly Invitae), Labcorp
Classification: Uncertain significance. Last evaluated: 2024-04-27. Review status: criteria provided, single submitter. Criteria: Invitae Variant Classification Sherloc (09022015). Collection method: clinical testing. Allele origin: germline.
Comment: This sequence change falls in intron 28 of the CACNA1G gene. It does not directly change the encoded amino acid sequence of the CACNA1G protein. It affects a nucleotide within the consensus splice site. This variant is present in population databases (rs777042089, gnomAD 0.03%). This variant has not been reported in the literature in individuals affected with CACNA1G-related conditions. Variants that disrupt the consensus splice site are a relatively common cause of aberrant splicing (PMID: 17576681, 9536098). Algorithms developed to predict the effect of sequence changes on RNA splicing suggest that this variant is not likely to affect RNA splicing. In summary, the available evidence is currently insufficient to determine the role of this variant in disease. Therefore, it has been classified as a Variant of Uncertain Significance.

Literature cited by the submitters: PubMed 17576681; PubMed 9536098.